The following is an entry in ClinVar:

NM_001244008.2(KIF1A):c.3594G>T (p.Arg1198Ser)

Gene: KIF1A (kinesin family member 1A; minus strand). Cytogenetic location: 2q37.3.
Variant type: single nucleotide variant.
Coding change: c.3594G>T on transcript NM_001244008.2 (MANE Select); coding-DNA position 3594, G replaced by T.
Protein change: p.Arg1198Ser; replaces arginine 1198 with serine.
Molecular consequence: missense variant.
Genome position (GRCh38, 1-based): chr2:240,742,975, C>A on the plus strand (G>T on the coding strand, the complement: KIF1A is on the minus strand). VCF-style: chr2-240742975-C-A. GRCh37 (hg19) VCF-style: chr2-241682392-C-A.
Other names: c.3318G>T, p.Arg1106Ser (NM_001320705.2, NM_001330289.2, NM_001379638.1); c.3393G>T, p.Arg1131Ser (NM_001330290.2, NM_001379634.1, NM_001379635.1 and 1 more transcripts); c.3669G>T, p.Arg1223Ser (NM_001379631.1); c.3543G>T, p.Arg1181Ser (NM_001379632.1); c.3567G>T, p.Arg1189Ser (NM_001379633.1, NM_001379642.1, NM_001379645.1); c.3291G>T, p.Arg1097Ser (NM_001379636.1, NM_001379639.1, NM_001379641.1 and 5 more transcripts); c.3366G>T, p.Arg1122Ser (NM_001379637.1, NM_001379648.1); c.3288G>T, p.Arg1096Ser (NM_001379640.1); short protein forms R1097S, R1106S, R1131S, R1198S, R1181S, R1189S, R1096S, R1122S.
Identifiers: ClinVar variation 844814 (VCV000844814.34), dbSNP rs1411100549, ClinGen allele CA351316462.

ClinVar aggregate classification (germline): Conflicting classifications of pathogenicity. Review status: criteria provided, conflicting classifications (1 of 4 stars). 2 submissions from 2 submitters: Uncertain significance (1); Likely benign (1). Last evaluated 2025-03-31.

Conditions:
Hereditary spastic paraplegia 30. Identifiers: Orphanet 101010, MedGen C5235139, MONDO:0012476.
Neuropathy, hereditary sensory, type 2C. Also called: Hereditary sensory and autonomic neuropathy type IIC; KIF1A-Related HSAN2 (HSAN2C). Identifiers: Orphanet 970, MedGen C3280168, MONDO:0013634, OMIM 614213.
Intellectual disability, autosomal dominant 9 (NESCAVS). Also called: NESCAV SYNDROME; KIF1A-Related Neurodevelopmental Disorder. Identifiers: Orphanet 662367, MedGen C5393830, MONDO:0013656, OMIM 614255.

Allele frequency attached by ClinVar (database versions not stated): gnomAD 0.00001; TOPMed 0.00001.
gnomAD v4.1: 5 of 1,609,770 alleles (0.00031%); highest among the groups gnomAD compares: Non-Finnish European, 0.00042%; no homozygotes.

Submissions (2):

Labcorp Genetics (formerly Invitae), Labcorp
Classification: Likely benign for Hereditary spastic paraplegia 30; Neuropathy, hereditary sensory, type 2C; Intellectual disability, autosomal dominant 9. Last evaluated: 2025-03-31. Review status: criteria provided, single submitter. Criteria: Invitae Variant Classification Sherloc (09022015). Collection method: clinical testing. Allele origin: germline.

CeGaT Center for Human Genetics Tuebingen
Classification: Uncertain significance. Last evaluated: 2023-01-01. Review status: criteria provided, single submitter. Criteria: CeGaT Center For Human Genetics Tuebingen Variant Classification Criteria Version 2. Collection method: clinical testing. Allele origin: germline. Affected: yes. Observed: 2 variant alleles.
Comment: KIF1A: PP2